The following is an entry in ClinVar:

NM_012330.4(KAT6B):c.5070G>A (p.Met1690Ile)

Gene: KAT6B (lysine acetyltransferase 6B; plus strand). Cytogenetic location: 10q22.2.
Variant type: single nucleotide variant.
Coding change: c.5070G>A on transcript NM_012330.4 (MANE Select); coding-DNA position 5070, G replaced by A.
Protein change: p.Met1690Ile; replaces methionine 1690 with isoleucine.
Molecular consequence: missense variant.
Genome position (GRCh38, 1-based): chr10:75,029,894, G>A. VCF-style: chr10-75029894-G-A. GRCh37 (hg19) VCF-style: chr10-76789652-G-A.
Other names: c.4521G>A, p.Met1507Ile (NM_001256468.2, NM_001370138.1); c.4194G>A, p.Met1398Ile (NM_001256469.2, NM_001370139.1, NM_001370140.1 and 2 more transcripts); c.4032G>A, p.Met1344Ile (NM_001370132.1); c.3381G>A, p.Met1127Ile (NM_001370133.1); c.2985G>A, p.Met995Ile (NM_001370134.1); c.2727G>A, p.Met909Ile (NM_001370135.1); c.5070G>A, p.Met1690Ile (NM_001370136.1, NM_001370137.1); c.4005G>A, p.Met1335Ile (NM_001370143.1, NM_001370144.1); and 1 more; short protein forms M1335I, M1344I, M1507I, M995I, M1127I, M1398I, M909I, M1690I.
Identifiers: ClinVar variation 2867016 (VCV002867016.4), dbSNP rs746794208, ClinGen allele CA5565136.

ClinVar aggregate classification (germline): Uncertain significance. Review status: criteria provided, multiple submitters, no conflicts (2 of 4 stars). 2 submissions from 2 submitters: Uncertain significance (2). Last evaluated 2026-03-05.

Conditions:
Genitopatellar syndrome (GTPTS). Also called: Genitopatellar syndrome (GPS); ABSENT PATELLAE, SCROTAL HYPOPLASIA, RENAL ANOMALIES, FACIAL DYSMORPHISM, AND MENTAL RETARDATION. Identifiers: Orphanet 85201, MedGen C1853566, MONDO:0011640, OMIM 606170.

Allele frequency attached by ClinVar (database versions not stated): gnomAD 0.00001; TOPMed 0.00001; ExAC 0.00002; gnomAD exomes 0.00002.

Submissions (2):

GeneDx
Classification: Uncertain significance. Last evaluated: 2026-03-05. Review status: criteria provided, single submitter. Criteria: GeneDx Variant Classification Process June 2021. Collection method: clinical testing. Allele origin: germline.
Comment: In silico analysis supports that this missense variant has a deleterious effect on protein structure/function; Has not been previously published as pathogenic or benign to our knowledge

Labcorp Genetics (formerly Invitae), Labcorp
Classification: Uncertain significance for Genitopatellar syndrome. Last evaluated: 2024-05-27. Review status: criteria provided, single submitter. Criteria: Invitae Variant Classification Sherloc (09022015). Collection method: clinical testing. Allele origin: germline.
Comment: This sequence change replaces methionine, which is neutral and non-polar, with isoleucine, which is neutral and non-polar, at codon 1690 of the KAT6B protein (p.Met1690Ile). This variant is present in population databases (rs746794208, gnomAD 0.006%). This variant has not been reported in the literature in individuals affected with KAT6B-related conditions. An algorithm developed to predict the effect of missense changes on protein structure and function (PolyPhen-2) suggests that this variant is likely to be tolerated. In summary, the available evidence is currently insufficient to determine the role of this variant in disease. Therefore, it has been classified as a Variant of Uncertain Significance.